The following is an entry in ClinVar:

NM_001286.5(CLCN6):c.292G>T (p.Val98Leu)

Gene: CLCN6 (chloride voltage-gated channel 6; plus strand). Cytogenetic location: 1p36.22.
Variant type: single nucleotide variant.
Coding change: c.292G>T on transcript NM_001286.5 (MANE Select); coding-DNA position 292, G replaced by T.
Protein change: p.Val98Leu; replaces valine 98 with leucine.
Molecular consequence: missense variant. On other transcripts: non-coding transcript variant (1).
Genome position (GRCh38, 1-based): chr1:11,819,500, G>T. VCF-style: chr1-11819500-G-T. GRCh37 (hg19) VCF-style: chr1-11879557-G-T.
Other names: c.226G>T, p.Val76Leu (NM_001256959.2); short protein forms V98L, V76L.
Identifiers: ClinVar variation 1523225 (VCV001523225.8), dbSNP rs1340556534, ClinGen allele CA338426488.

ClinVar aggregate classification (germline): Uncertain significance (1 of 4 stars; one submission).

Allele frequency attached by ClinVar (database versions not stated): TOPMed 0.00001.

Submission:

Labcorp Genetics (formerly Invitae), Labcorp
Classification: Uncertain significance. Last evaluated: 2021-04-05. Review status: criteria provided, single submitter. Criteria: Invitae Variant Classification Sherloc (09022015). Collection method: clinical testing. Allele origin: germline.
Comment: In summary, the available evidence is currently insufficient to determine the role of this variant in disease. Therefore, it has been classified as a Variant of Uncertain Significance. Algorithms developed to predict the effect of missense changes on protein structure and function (SIFT, PolyPhen-2, Align-GVGD) all suggest that this variant is likely to be tolerated, but these predictions have not been confirmed by published functional studies and their clinical significance is uncertain. This variant has not been reported in the literature in individuals with CLCN6-related conditions. This variant is not present in population databases (ExAC no frequency). This sequence change replaces valine with leucine at codon 98 of the CLCN6 protein (p.Val98Leu). The valine residue is highly conserved and there is a small physicochemical difference between valine and leucine.